The following is an entry in ClinVar:

ClinVar aggregate classification (germline): Uncertain significance (1 of 4 stars; one submission).

Submission:

CeGaT Center for Human Genetics Tuebingen
Classification: Uncertain significance. Last evaluated: 2024-12-01. Review status: criteria provided, single submitter. Criteria: CeGaT Center For Human Genetics Tuebingen Variant Classification Criteria Version 2. Collection method: clinical testing. Allele origin: germline. Affected: yes. Observed: 1 variant allele.
Comment: ANK3: PM2, PVS1:Moderate

NM_020987.5(ANK3):c.1491+1G>A

Gene: ANK3 (ankyrin 3; minus strand). Cytogenetic location: 10q21.2.
Variant type: single nucleotide variant.
Coding change: c.1491+1G>A on transcript NM_020987.5 (MANE Select); the canonical splice donor site of the intron after coding-DNA position 1491, G replaced by A.
Molecular consequence: splice donor variant.
Genome position (GRCh38, 1-based): chr10:60,200,128, C>T on the plus strand (G>A on the coding strand, the complement: ANK3 is on the minus strand). VCF-style: chr10-60200128-C-T. GRCh37 (hg19) VCF-style: chr10-61959886-C-T.
Other names: c.1473+1G>A (NM_001204403.2); c.1440+1G>A (NM_001204404.2); c.1491+1G>A (NM_001320874.2).
Identifiers: ClinVar variation 3771836 (VCV003771836.13).